The following is an entry in ClinVar:

NM_014874.4(MFN2):c.395G>T (p.Cys132Phe)

Gene: MFN2 (mitofusin 2; plus strand). Cytogenetic location: 1p36.22.
Variant type: single nucleotide variant.
Coding change: c.395G>T on transcript NM_014874.4 (MANE Select); coding-DNA position 395, G replaced by T.
Protein change: p.Cys132Phe; replaces cysteine 132 with phenylalanine.
Molecular consequence: missense variant.
Genome position (GRCh38, 1-based): chr1:11,996,239, G>T. VCF-style: chr1-11996239-G-T. GRCh37 (hg19) VCF-style: chr1-12056296-G-T.
Other names: c.395G>T, p.Cys132Phe (NM_001127660.2); short protein forms C132F.
Identifiers: ClinVar variation 2709235 (VCV002709235.3), dbSNP rs1569830013, ClinGen allele CA338434631.

ClinVar aggregate classification (germline): Likely pathogenic (1 of 4 stars; one submission).

Conditions:
Charcot-Marie-Tooth disease type 2. Also called: Charcot-Marie-Tooth type 2. Identifiers: Orphanet 64746, MedGen C0270914, MONDO:0018993.

Submission:

Labcorp Genetics (formerly Invitae), Labcorp
Classification: Likely pathogenic for Charcot-Marie-Tooth disease type 2. Last evaluated: 2024-01-13. Review status: criteria provided, single submitter. Criteria: Invitae Variant Classification Sherloc (09022015). Collection method: clinical testing. Allele origin: germline.
Comment: This sequence change replaces cysteine, which is neutral and slightly polar, with phenylalanine, which is neutral and non-polar, at codon 132 of the MFN2 protein (p.Cys132Phe). This variant is not present in population databases (gnomAD no frequency). This variant has not been reported in the literature in individuals affected with MFN2-related conditions. Advanced modeling of protein sequence and biophysical properties (such as structural, functional, and spatial information, amino acid conservation, physicochemical variation, residue mobility, and thermodynamic stability) performed at Invitae indicates that this missense variant is expected to disrupt MFN2 protein function with a positive predictive value of 95%. This variant disrupts the p.Cys132 amino acid residue in MFN2. Other variant(s) that disrupt this residue have been determined to be pathogenic (PMID: 26801520). This suggests that this residue is clinically significant, and that variants that disrupt this residue are likely to be disease-causing. In summary, the currently available evidence indicates that the variant is pathogenic, but additional data are needed to prove that conclusively. Therefore, this variant has been classified as Likely Pathogenic.

Literature cited by the submitters: PubMed 26801520.